The following is an entry in ClinVar:

ClinVar aggregate classification (germline): Likely benign (1 of 4 stars; one submission).

Allele frequency attached by ClinVar (database versions not stated): 1000 Genomes Project 30x 0.00021; gnomAD 0.00025; 1000 Genomes Project 0.00026; TOPMed 0.00026.
gnomAD v4.1: 30 of 112,064 alleles (0.027%); highest among the groups gnomAD compares: Middle Eastern, 0.46%; no homozygotes.

Submission:

CeGaT Center for Human Genetics Tuebingen
Classification: Likely benign. Last evaluated: 2023-05-01. Review status: criteria provided, single submitter. Criteria: CeGaT Center For Human Genetics Tuebingen Variant Classification Criteria Version 2. Collection method: clinical testing. Allele origin: germline. Affected: yes. Observed: 1 variant allele.
Comment: ZBTB33: BS2

NM_001184742.2(ZBTB33):c.-105+814G>A

Genes: TMEM255A (transmembrane protein 255A; minus strand), ZBTB33 (zinc finger and BTB domain containing 33; plus strand). Cytogenetic location: Xq24.
Variant type: single nucleotide variant.
Coding change: c.-105+814G>A on transcript NM_001184742.2 (MANE Select); 814 bases into the intron after 105 bases upstream of the start codon, G replaced by A.
Molecular consequence: intron variant.
Genome position (GRCh38, 1-based): chrX:120,251,791, G>A. VCF-style: chrX-120251791-G-A. GRCh37 (hg19) VCF-style: chrX-119385646-G-A.
Other names: c.-3+814G>A (NM_006777.4).
Identifiers: ClinVar variation 2661318 (VCV002661318.24), dbSNP rs185446813, ClinGen allele CA335000507.
Genomic context (GRCh38, chrX:120,251,791, plus strand): 5'-TTTCCACAGTCGAATCGCATATCTTCGGAGTGGGTTCAGACCGACTTGTGCTGTCTCTGG[G>A]GCCACCCTGAGTGGGAGGAGGGGGACACATAAACGAAACGAAACCGAGTCCCAGTGTCAC-3'